The following is an entry in ClinVar:

NM_130384.3(ATRIP):c.1861C>T (p.Pro621Ser)

Genes: ATRIP (ATR interacting protein; plus strand), ATRIP-TREX1 (ATRIP-TREX1 readthrough; plus strand). Cytogenetic location: 3p21.31.
Variant type: single nucleotide variant.
Coding change: c.1861C>T on transcript NM_130384.3 (MANE Select); coding-DNA position 1861, C replaced by T.
Protein change: p.Pro621Ser; replaces proline 621 with serine.
Molecular consequence: missense variant. On other transcripts: non-coding transcript variant (1).
Genome position (GRCh38, 1-based): chr3:48,463,860, C>T. VCF-style: chr3-48463860-C-T. GRCh37 (hg19) VCF-style: chr3-48505259-C-T.
Other names: c.1480C>T, p.Pro494Ser (NM_001271022.2); c.1582C>T, p.Pro528Ser (NM_001271023.2); c.1861C>T, p.Pro621Ser (NM_032166.4); short protein forms P494S, P621S, P528S.
Identifiers: ClinVar variation 4644607 (VCV004644607.1).

ClinVar aggregate classification (germline): Uncertain significance (1 of 4 stars; one submission).

gnomAD v4.1: 1 of 1,614,148 alleles (0.000062%); highest among the groups gnomAD compares: Non-Finnish European, 0.000085%; no homozygotes.

Submission:

Ambry Genetics
Classification: Uncertain significance. Last evaluated: 2025-12-07. Review status: criteria provided, single submitter. Criteria: Ambry Variant Classification Scheme 2023. Collection method: clinical testing. Allele origin: germline.
Comment: The p.P621S variant (also known as c.1861C>T), located in coding exon 9 of the ATRIP gene, results from a C to T substitution at nucleotide position 1861. The proline at codon 621 is replaced by serine, an amino acid with similar properties. This amino acid position is conserved. In addition, this alteration is predicted to be tolerated by in silico analysis. Based on the available evidence, the clinical significance of this variant remains unclear.